The following is an entry in ClinVar:

NM_005188.4(CBL):c.2135A>T (p.Asp712Val)

Gene: CBL (Cbl proto-oncogene; plus strand). Cytogenetic location: 11q23.3.
Variant type: single nucleotide variant.
Coding change: c.2135A>T on transcript NM_005188.4 (MANE Select); coding-DNA position 2135, A replaced by T.
Protein change: p.Asp712Val; replaces aspartic acid 712 with valine.
Molecular consequence: missense variant.
Genome position (GRCh38, 1-based): chr11:119,297,016, A>T. VCF-style: chr11-119297016-A-T. GRCh37 (hg19) VCF-style: chr11-119167726-A-T.
Other names: p.Asp712Val; c.2135A>T (NM_005188.2); short protein forms D712V.
Identifiers: ClinVar variation 3042110 (VCV003042110.4), dbSNP rs1565272163, ClinGen allele CA382927334.

ClinVar aggregate classification (germline): Uncertain significance. Review status: criteria provided, multiple submitters, no conflicts (2 of 4 stars). 3 submissions from 3 submitters: Uncertain significance (2). 1 of the submissions does not count toward it. Last evaluated 2024-06-23.

Conditions:
CBL-related disorder. Also called: CBL MUTATION-ASSOCIATED SYNDROME; CBL SYNDROME; NOONAN SYNDROME-LIKE DISORDER WITHOUT JUVENILE MYELOMONOCYTIC LEUKEMIA. Identifiers: Orphanet 363972, MedGen C3150803, MONDO:0013308, OMIM 613563.
Cardiovascular phenotype. Identifiers: MedGen CN230736.

gnomAD v4.1: 1 of 1,586,064 alleles (0.000063%); highest among the groups gnomAD compares: East Asian, 0.0022%; no homozygotes.

Submissions (3):

Ambry Genetics
Classification: Uncertain significance for Cardiovascular phenotype. Last evaluated: 2024-06-23. Review status: criteria provided, single submitter. Criteria: Ambry Variant Classification Scheme 2023. Collection method: clinical testing. Allele origin: germline.
Comment: The p.D712V variant (also known as c.2135A>T), located in coding exon 13 of the CBL gene, results from an A to T substitution at nucleotide position 2135. The aspartic acid at codon 712 is replaced by valine, an amino acid with highly dissimilar properties. This amino acid position is conserved. In addition, this alteration is predicted to be tolerated by in silico analysis. Based on the available evidence, the clinical significance of this variant remains unclear.

Mayo Clinic Laboratories, Mayo Clinic
Classification: Uncertain significance. Last evaluated: 2023-11-21. Review status: criteria provided, single submitter. Criteria: ACMG Guidelines, 2015. Collection method: clinical testing. Allele origin: germline. Observed: 1 variant allele.
Comment: BP4

PreventionGenetics, part of Exact Sciences
Classification: Uncertain significance for CBL-related condition. Last evaluated: 2024-01-20. Review status: no assertion criteria provided. Collection method: clinical testing. Allele origin: germline. Not counted in ClinVar's aggregate classification.
Comment: The CBL c.2135A>T variant is predicted to result in the amino acid substitution p.Asp712Val. To our knowledge, this variant has not been reported in the literature. This variant is reported in 0.0054% of alleles in individuals of East Asian descent in gnomAD. At this time, the clinical significance of this variant is uncertain due to the absence of conclusive functional and genetic evidence.